The following is an entry in ClinVar:

ClinVar aggregate classification (germline): Conflicting classifications of pathogenicity. Review status: criteria provided, conflicting classifications (1 of 4 stars). 3 submissions from 3 submitters: Uncertain significance (1); Likely benign (1). 1 of the submissions does not count toward it. Last evaluated 2026-01-19.

Conditions:
PDHX-related disorder. Also called: PDHX-related condition.
Pyruvate dehydrogenase E3-binding protein deficiency (PDHXD). Also called: E3-Binding Protein (Component X) Deficiency; Lacticacidemia due to PDX1 deficiency; PYRUVATE HYDROGENASE E3-BINDING PROTEIN DEFICIENCY; LACTIC ACIDEMIA DUE TO DEFECT IN LIPOYL-CONTAINING COMPONENT X OF THE PYRUVATE DEHYDROGENASE COMPLEX. Identifiers: Orphanet 255182, MedGen C1855553, MONDO:0009503, OMIM 245349.

Allele frequency attached by ClinVar (database versions not stated): ExAC 0.00002; gnomAD exomes 0.00003; gnomAD 0.00004 and 0.00005; TOPMed 0.00007; ESP Exome Variant Server 0.00015.
gnomAD v4.1: 268 of 1,604,904 alleles (0.017%); highest among the groups gnomAD compares: Non-Finnish European, 0.023%; no homozygotes.

Submissions (3):

Labcorp Genetics (formerly Invitae), Labcorp
Classification: Likely benign. Last evaluated: 2026-01-19. Review status: criteria provided, single submitter. Criteria: Invitae Variant Classification Sherloc (09022015). Collection method: clinical testing. Allele origin: germline.

Illumina Laboratory Services, Illumina
Classification: Uncertain significance for Pyruvate dehydrogenase E3-binding protein deficiency. Last evaluated: 2018-01-12. Review status: criteria provided, single submitter. Criteria: ICSL Variant Classification Criteria 13 December 2019. Collection method: clinical testing. Allele origin: germline.

PreventionGenetics, part of Exact Sciences
Classification: Likely benign for PDHX-related condition. Last evaluated: 2019-03-05. Review status: no assertion criteria provided. Collection method: clinical testing. Allele origin: germline. Not counted in ClinVar's aggregate classification.
Comment: This variant is classified as likely benign based on ACMG/AMP sequence variant interpretation guidelines (Richards et al. 2015 PMID: 25741868, with internal and published modifications).

NM_003477.3(PDHX):c.242-4G>A

Gene: PDHX (pyruvate dehydrogenase complex component X; plus strand). Cytogenetic location: 11p13.
Variant type: single nucleotide variant.
Coding change: c.242-4G>A on transcript NM_003477.3 (MANE Select); 4 bases into the intron before coding-DNA position 242, G replaced by A.
Molecular consequence: intron variant.
Genome position (GRCh38, 1-based): chr11:34,947,502, G>A. VCF-style: chr11-34947502-G-A. GRCh37 (hg19) VCF-style: chr11-34969049-G-A.
Other names: c.62-4G>A (NM_001135024.2); c.242-4G>A (NM_001166158.2).
Identifiers: ClinVar variation 737899 (VCV000737899.16), dbSNP rs199583315, ClinGen allele CA5945806.